The following is an entry in ClinVar:

NM_000078.3(CETP):c.312G>A (p.Gln104=)

Gene: CETP (cholesteryl ester transfer protein; plus strand). Cytogenetic location: 16q13.
Variant type: single nucleotide variant.
Coding change: c.312G>A on transcript NM_000078.3 (MANE Select); coding-DNA position 312, G replaced by A.
Protein change: p.Gln104=; no amino-acid change (glutamine 104 retained).
Molecular consequence: synonymous variant.
Genome position (GRCh38, 1-based): chr16:56,969,464, G>A. VCF-style: chr16-56969464-G-A. GRCh37 (hg19) VCF-style: chr16-57003376-G-A.
Other names: c.312G>A, p.Gln104= (NM_001286085.2).
Identifiers: ClinVar variation 319975 (VCV000319975.12), dbSNP rs147740993, ClinGen allele CA8070865.

ClinVar aggregate classification (germline): Likely benign. Review status: criteria provided, multiple submitters, no conflicts (2 of 4 stars). 2 submissions from 2 submitters: Likely benign (2). Last evaluated 2025-07-22.

Conditions:
Hyperalphalipoproteinemia 1 (HALP1). Also called: CETP-Related Hyperalphalipoproteinemia; CETP DEFICIENCY. Identifiers: MedGen C3149462, OMIM 143470.

Allele frequency attached by ClinVar (database versions not stated): gnomAD exomes 0.00008; ExAC 0.00009; TOPMed 0.00009; gnomAD 0.00012 and 0.00013; ESP Exome Variant Server 0.00023.
gnomAD v4.1: 138 of 1,614,078 alleles (0.0085%); highest among the groups gnomAD compares: Non-Finnish European, 0.011%; no homozygotes.

Submissions (2):

Labcorp Genetics (formerly Invitae), Labcorp
Classification: Likely benign. Last evaluated: 2025-07-22. Review status: criteria provided, single submitter. Criteria: Invitae Variant Classification Sherloc (09022015). Collection method: clinical testing. Allele origin: germline.

Illumina Laboratory Services, Illumina
Classification: Likely benign for Hyperalphalipoproteinemia 1. Last evaluated: 2018-01-13. Review status: criteria provided, single submitter. Criteria: ICSL Variant Classification Criteria 13 December 2019. Collection method: clinical testing. Allele origin: germline.
Comment: This variant was observed in the ICSL laboratory as part of a predisposition screen in an ostensibly healthy population. It had not been previously curated by ICSL or reported in the Human Gene Mutation Database (HGMD: prior to June 1st, 2018), and was therefore a candidate for classification through an automated scoring system. Utilizing variant allele frequency, disease prevalence and penetrance estimates, and inheritance mode, an automated score was calculated to assess if this variant is too frequent to cause the disease. Based on the score and internal cut-off values, a variant classified as likely benign is not then subjected to further curation. The score for this variant resulted in a classification of likely benign for this disease.